The following is an entry in ClinVar:

ClinVar aggregate classification (germline): Uncertain significance (1 of 4 stars; one submission).

Conditions:
DNA ligase IV deficiency. Identifiers: Orphanet 99812, MedGen C1847827, MONDO:0011686, OMIM 606593.

gnomAD v4.1: 1 of 1,613,000 alleles (0.000062%); highest among the groups gnomAD compares: Non-Finnish European, 0.000085%; no homozygotes.

Submission:

Labcorp Genetics (formerly Invitae), Labcorp
Classification: Uncertain significance for DNA ligase IV deficiency. Last evaluated: 2025-04-30. Review status: criteria provided, single submitter. Criteria: Invitae Variant Classification Sherloc (09022015). Collection method: clinical testing. Allele origin: germline.
Comment: This sequence change replaces serine, which is neutral and polar, with alanine, which is neutral and non-polar, at codon 897 of the LIG4 protein (p.Ser897Ala). This variant is not present in population databases (gnomAD no frequency). This variant has not been reported in the literature in individuals affected with LIG4-related conditions. Invitae Evidence Modeling of protein sequence and biophysical properties (such as structural, functional, and spatial information, amino acid conservation, physicochemical variation, residue mobility, and thermodynamic stability) has been performed for this missense variant. However, the output from this modeling did not meet the statistical confidence thresholds required to predict the impact of this variant on LIG4 protein function. In summary, the available evidence is currently insufficient to determine the role of this variant in disease. Therefore, it has been classified as a Variant of Uncertain Significance.

NM_206937.2(LIG4):c.2689T>G (p.Ser897Ala)

Gene: LIG4 (DNA ligase 4; minus strand). Cytogenetic location: 13q33.3.
Variant type: single nucleotide variant.
Coding change: c.2689T>G on transcript NM_206937.2 (MANE Select); coding-DNA position 2689, T replaced by G.
Protein change: p.Ser897Ala; replaces serine 897 with alanine.
Molecular consequence: missense variant.
Genome position (GRCh38, 1-based): chr13:108,208,580, A>C on the plus strand (T>G on the coding strand, the complement: LIG4 is on the minus strand). VCF-style: chr13-108208580-A-C. GRCh37 (hg19) VCF-style: chr13-108860928-A-C.
Other names: c.2689T>G, p.Ser897Ala (NM_001098268.2, NM_001352598.2, NM_001352599.2 and 6 more transcripts); c.2488T>G, p.Ser830Ala (NM_001330595.2); c.2725T>G, p.Ser909Ala (NM_001352604.2); short protein forms S830A, S897A, S909A.
Identifiers: ClinVar variation 4811619 (VCV004811619.1).
Genomic context (GRCh38, chr13:108,208,580, plus strand): 5'-AGGAAACCTAGCTTTAAATCAAATACTGGTTTTCTTCTTGTAATTCACACTTGTCTATTG[A>C]ATCAGTTACCCAACTTTCTTTTAGGATTTTAAACTTTCTCTTAAAAGTTCTTCTAAAAGC-3'
Protein context (NP_996820.1, residues 887-907): KILKESWVTD[Ser897Ala]IDKCELQEEN